The following is an entry in ClinVar:

ClinVar aggregate classification (germline): Uncertain significance (1 of 4 stars; one submission).

Conditions:
Bardet-Biedl syndrome (BBS). Identifiers: Orphanet 110, MedGen C0752166, MONDO:0015229.

Allele frequency attached by ClinVar (database versions not stated): gnomAD exomes below 0.00001 and 0.00001; ExAC 0.00001.
gnomAD v4.1: 3 of 1,613,624 alleles (0.00019%); highest among the groups gnomAD compares: South Asian, 0.0011%; no homozygotes.

Submission:

Labcorp Genetics (formerly Invitae), Labcorp
Classification: Uncertain significance for Bardet-Biedl syndrome. Last evaluated: 2021-10-07. Review status: criteria provided, single submitter. Criteria: Invitae Variant Classification Sherloc (09022015). Collection method: clinical testing. Allele origin: germline.
Comment: This sequence change replaces cysteine with tyrosine at codon 249 of the BBS9 protein (p.Cys249Tyr). The cysteine residue is highly conserved and there is a large physicochemical difference between cysteine and tyrosine. This variant is present in population databases (rs772441123, ExAC 0.001%). This variant has not been reported in the literature in individuals affected with BBS9-related conditions. Algorithms developed to predict the effect of missense changes on protein structure and function are either unavailable or do not agree on the potential impact of this missense change (SIFT: "Deleterious"; PolyPhen-2: "Benign"; Align-GVGD: "Class C65"). In summary, the available evidence is currently insufficient to determine the role of this variant in disease. Therefore, it has been classified as a Variant of Uncertain Significance.

NM_198428.3(BBS9):c.746G>A (p.Cys249Tyr)

Gene: BBS9 (Bardet-Biedl syndrome 9; plus strand). Cytogenetic location: 7p14.3.
Variant type: single nucleotide variant.
Coding change: c.746G>A on transcript NM_198428.3 (MANE Select); coding-DNA position 746, G replaced by A.
Protein change: p.Cys249Tyr; replaces cysteine 249 with tyrosine.
Molecular consequence: missense variant. On other transcripts: non-coding transcript variant (3).
Genome position (GRCh38, 1-based): chr7:33,273,055, G>A. VCF-style: chr7-33273055-G-A. GRCh37 (hg19) VCF-style: chr7-33312667-G-A.
Other names: c.746G>A, p.Cys249Tyr (NM_001033604.2, NM_001033605.2, NM_001348036.1 and 5 more transcripts); c.380G>A, p.Cys127Tyr (NM_001348037.3, NM_001348044.3, NM_001348045.3 and 1 more transcripts); c.473G>A, p.Cys158Tyr (NM_001348038.3, NM_001348039.3); c.611G>A, p.Cys204Tyr (NM_001348042.3); short protein forms C127Y, C158Y, C204Y, C249Y.
Identifiers: ClinVar variation 1385040 (VCV001385040.3), dbSNP rs772441123, ClinGen allele CA4214104.
Genomic context (GRCh38, chr7:33,273,055, plus strand): 5'-TGAGTTTTGCTTTGTAGGTGGATTGGACTCTAAATATTGGAGAGCAAGCCCTTGACATAT[G>A]TATTGTCTCTTTCAATCAGTCGGCATCCTCTGTTTTTGTTCTTGGTGAGAGAAACTTTTT-3'
Protein context (NP_940820.1, residues 239-259): LNIGEQALDI[Cys249Tyr]IVSFNQSASS